The following is an entry in ClinVar:

NM_000492.4(CFTR):c.1465T>G (p.Ser489Ala)

Genes: CFTR (CF transmembrane conductance regulator; plus strand), CFTR-AS1 (CFTR antisense RNA 1; minus strand). Cytogenetic location: 7q31.2.
Variant type: single nucleotide variant.
Coding change: c.1465T>G on transcript NM_000492.4 (MANE Select); coding-DNA position 1465, T replaced by G.
Protein change: p.Ser489Ala; replaces serine 489 with alanine.
Molecular consequence: missense variant.
Genome position (GRCh38, 1-based): chr7:117,559,536, T>G. VCF-style: chr7-117559536-T-G. GRCh37 (hg19) VCF-style: chr7-117199590-T-G.
Other names: short protein forms S489A.
Identifiers: ClinVar variation 5034467 (VCV005034467.1).

ClinVar aggregate classification (germline): Uncertain significance (1 of 4 stars; one submission).

Conditions:
Cystic fibrosis (CF). Also called: MUCOVISCIDOSIS. Identifiers: Orphanet 586, MedGen C0010674, MONDO:0009061, OMIM 219700. Disease mechanism: loss of function.

Submission:

Ambry Genetics
Classification: Uncertain significance for Cystic fibrosis. Last evaluated: 2026-08-08. Review status: criteria provided, single submitter. Criteria: Ambry Variant Classification Scheme 2023. Collection method: clinical testing. Allele origin: germline.
Comment: The p.S489A variant (also known as c.1465T>G), located in coding exon 11 of the CFTR gene, results from a T to G substitution at nucleotide position 1465. The serine at codon 489 is replaced by alanine, an amino acid with similar properties. This amino acid position is conserved. In addition, this alteration is predicted to be deleterious by in silico analysis. Based on the available evidence, the clinical significance of this variant remains unclear.